The following is an entry in ClinVar:

NM_024675.4(PALB2):c.3547T>G (p.Tyr1183Asp)

Gene: PALB2 (partner and localizer of BRCA2; minus strand). Cytogenetic location: 16p12.2.
Variant type: single nucleotide variant.
Coding change: c.3547T>G on transcript NM_024675.4 (MANE Select); coding-DNA position 3547, T replaced by G.
Protein change: p.Tyr1183Asp; replaces tyrosine 1183 with aspartic acid.
Molecular consequence: missense variant.
Genome position (GRCh38, 1-based): chr16:23,603,473, A>C on the plus strand (T>G on the coding strand, the complement: PALB2 is on the minus strand). VCF-style: chr16-23603473-A-C. GRCh37 (hg19) VCF-style: chr16-23614794-A-C.
Other names: short protein forms Y1183D.
Identifiers: ClinVar variation 573435 (VCV000573435.14), dbSNP rs1567204915, ClinGen allele CA395137660.

ClinVar aggregate classification (germline): Uncertain significance. Review status: criteria provided, multiple submitters, no conflicts (2 of 4 stars). 2 submissions from 2 submitters: Uncertain significance (2). Last evaluated 2018-04-09.

Conditions:
Hereditary cancer-predisposing syndrome. Also called: Neoplastic Syndromes, Hereditary; Hereditary Cancer Syndrome; Tumor predisposition; Hereditary neoplastic syndrome. Identifiers: Orphanet 140162, MedGen C0027672, MeSH D009386, MONDO:0015356.
Familial cancer of breast. Also called: hereditary breast carcinoma; BREAST CANCER, FAMILIAL; Hereditary breast cancer. Identifiers: Orphanet 227535, MedGen C0346153, MONDO:0016419, OMIM 114480. Disease mechanism: loss of function.

Submissions (2):

Labcorp Genetics (formerly Invitae), Labcorp
Classification: Uncertain significance for Familial cancer of breast. Last evaluated: 2018-04-09. Review status: criteria provided, single submitter. Criteria: Invitae Variant Classification Sherloc (09022015). Collection method: clinical testing. Allele origin: germline.
Comment: This sequence change replaces tyrosine with aspartic acid at codon 1183 of the PALB2 protein (p.Tyr1183Asp). The tyrosine residue is highly conserved and there is a large physicochemical difference between tyrosine and aspartic acid. This variant is not present in population databases (ExAC no frequency). This variant has not been reported in the literature in individuals with PALB2-related disease. Algorithms developed to predict the effect of missense changes on protein structure and function (SIFT, PolyPhen-2, Align-GVGD) all suggest that this variant is likely to be disruptive, but these predictions have not been confirmed by published functional studies and their clinical significance is uncertain. Algorithms developed to predict the effect of sequence changes on RNA splicing suggest that this variant may create or strengthen a splice site, but this prediction has not been confirmed by published transcriptional studies. In summary, the available evidence is currently insufficient to determine the role of this variant in disease. Therefore, it has been classified as a Variant of Uncertain Significance.

Ambry Genetics
Classification: Uncertain significance for Hereditary cancer-predisposing syndrome. Last evaluated: 2017-12-27. Review status: criteria provided, single submitter. Criteria: Ambry Variant Classification Scheme 2023. Collection method: clinical testing. Allele origin: germline.
Comment: The p.Y1183D variant (also known as c.3547T>G), located in coding exon 13 of the PALB2 gene, results from a T to G substitution at nucleotide position 3547. The tyrosine at codon 1183 is replaced by aspartic acid, an amino acid with highly dissimilar properties. This amino acid position is highly conserved in available vertebrate species. In addition, the in silico prediction for this alteration is inconclusive. Since supporting evidence is limited at this time, the clinical significance of this alteration remains unclear.